The following is an entry in ClinVar:

ClinVar aggregate classification (germline): Pathogenic (1 of 4 stars; one submission).

Allele frequency attached by ClinVar (database versions not stated): gnomAD exomes below 0.00001; ESP Exome Variant Server 0.00008.

Submission:

Labcorp Genetics (formerly Invitae), Labcorp
Classification: Pathogenic. Last evaluated: 2017-11-19. Review status: criteria provided, single submitter. Criteria: Invitae Variant Classification Sherloc (09022015). Collection method: clinical testing. Allele origin: germline.
Comment: For these reasons, this variant has been classified as Pathogenic. Loss-of-function variants in MYO3A are known to be pathogenic (PMID: 12032315, 23990876). This variant has not been reported in the literature in individuals with MYO3A-related disease. This variant is not present in population databases (ExAC no frequency). This sequence change creates a premature translational stop signal (p.Ser1433*) in the MYO3A gene. It is expected to result in an absent or disrupted protein product.

Literature cited by the submitters: PubMed 12032315; PubMed 23990876.

NM_017433.5(MYO3A):c.4298C>G (p.Ser1433Ter)

Gene: MYO3A (myosin IIIA; plus strand). Cytogenetic location: 10p12.1.
Variant type: single nucleotide variant.
Coding change: c.4298C>G on transcript NM_017433.5 (MANE Select); coding-DNA position 4298, C replaced by G.
Protein change: p.Ser1433Ter; replaces serine 1433 with a stop codon.
Molecular consequence: nonsense.
Genome position (GRCh38, 1-based): chr10:26,176,705, C>G. VCF-style: chr10-26176705-C-G. GRCh37 (hg19) VCF-style: chr10-26465634-C-G.
Other names: short protein forms S1433*.
Identifiers: ClinVar variation 1071291 (VCV001071291.7), dbSNP rs143896117, ClinGen allele CA204393911.
Genomic context (GRCh38, chr10:26,176,705, plus strand): 5'-CAGAACTCTCTGTATTCTTTTCCTTGATTTAACCTGACACATGACCTTCTTTTTAGATAT[C>G]AAAGTTATCTGAAGAATATTTCATTCTGCAGAAAAAATTGAATGAAATGATTTTGTCACA-3'